The following is an entry in ClinVar:

ClinVar aggregate classification (germline): Conflicting classifications of pathogenicity. Review status: criteria provided, conflicting classifications (1 of 4 stars). 7 submissions from 7 submitters: Uncertain significance (1); Benign (4); Likely benign (2). Last evaluated 2026-01-09.

Conditions:
Inborn genetic diseases. Identifiers: MedGen C0950123, MeSH D030342.
Seizures, benign familial infantile, 3 (BFIS3). Also called: CONVULSIONS, BENIGN FAMILIAL INFANTILE, 3; Familial neonatal seizures. Identifiers: Orphanet 140927, Orphanet 306, MedGen C1843140, MONDO:0011904, OMIM 607745.
Developmental and epileptic encephalopathy, 11 (DEE11). Also called: Early infantile epileptic encephalopathy 11. Identifiers: Orphanet 1934, MedGen C3150987, MONDO:0013388, OMIM 613721.

Allele frequency attached by ClinVar (database versions not stated): ExAC 0.00013; gnomAD 0.00066 and 0.00076; ESP Exome Variant Server 0.00077; TOPMed 0.00080.
gnomAD v4.1: 174 of 1,613,088 alleles (0.011%); highest among the groups gnomAD compares: African/African-American, 0.19%; no homozygotes.

Submissions (7):

Labcorp Genetics (formerly Invitae), Labcorp
Classification: Benign for Seizures, benign familial infantile, 3; Developmental and epileptic encephalopathy, 11. Last evaluated: 2026-01-09. Review status: criteria provided, single submitter. Criteria: Invitae Variant Classification Sherloc (09022015). Collection method: clinical testing. Allele origin: germline.

CeGaT Center for Human Genetics Tuebingen
Classification: Benign. Last evaluated: 2025-11-01. Review status: criteria provided, single submitter. Criteria: CeGaT Center For Human Genetics Tuebingen Variant Classification Criteria Version 2. Collection method: clinical testing. Allele origin: germline. Affected: yes. Observed: 1 variant allele.
Comment: SCN2A: BP4, BS1, BS2

Blueprint Genetics
Classification: Likely benign. Last evaluated: 2024-07-29. Review status: criteria provided, single submitter. Criteria: ACMG Guidelines, 2015. Collection method: clinical testing. Allele origin: germline.

Athena Diagnostics
Classification: Benign. Last evaluated: 2018-11-29. Review status: criteria provided, single submitter. Criteria: Athena Diagnostics Criteria. Collection method: clinical testing. Allele origin: germline.

Ambry Genetics
Classification: Likely benign for Inborn genetic diseases. Last evaluated: 2016-12-22. Review status: criteria provided, single submitter. Criteria: Ambry Variant Classification Scheme 2023. Collection method: clinical testing. Allele origin: germline.

Genetic Services Laboratory, University of Chicago
Classification: Uncertain significance. Last evaluated: 2015-04-22. Review status: criteria provided, single submitter. Criteria: ACMG Guidelines, 2015. Collection method: clinical testing. Allele origin: germline.

GeneDx
Classification: Benign. Last evaluated: 2014-03-18. Review status: criteria provided, single submitter. Criteria: GeneDx Variant Classification (06012015). Collection method: clinical testing. Allele origin: germline. Affected: yes.
Comment: This variant is considered likely benign or benign based on one or more of the following criteria: it is a conservative change, it occurs at a poorly conserved position in the protein, it is predicted to be benign by multiple in silico algorithms, and/or has population frequency not consistent with disease.

NM_001040142.2(SCN2A):c.897A>G (p.Ser299=)

Gene: SCN2A (sodium voltage-gated channel alpha subunit 2; plus strand). Cytogenetic location: 2q24.3.
Variant type: single nucleotide variant.
Coding change: c.897A>G on transcript NM_001040142.2 (MANE Select); coding-DNA position 897, A replaced by G.
Protein change: p.Ser299=; no amino-acid change (serine 299 retained).
Molecular consequence: synonymous variant.
Genome position (GRCh38, 1-based): chr2:165,310,522, A>G. VCF-style: chr2-165310522-A-G. GRCh37 (hg19) VCF-style: chr2-166167032-A-G.
Other names: p.S299S:TCA>TCG; c.897A>G, p.Ser299= (NM_001040143.2, NM_001371246.1, NM_001371247.1 and 1 more transcripts).
Identifiers: ClinVar variation 139024 (VCV000139024.30), dbSNP rs143765389, ClinGen allele CA293273.